The following is an entry in ClinVar:

ClinVar aggregate classification (germline): Pathogenic/Likely pathogenic. Review status: criteria provided, multiple submitters, no conflicts (2 of 4 stars). 2 submissions from 2 submitters: Pathogenic (1); Likely pathogenic (1). Last evaluated 2024-12-19.

Conditions:
Capillary malformation-arteriovenous malformation syndrome. Also called: Capillary malformation-arteriovenous malformation. Identifiers: Orphanet 137667, MedGen C1842180, MONDO:0012016.

Submissions (2):

ARUP Laboratories, Molecular Genetics and Genomics, ARUP Laboratories
Classification: Likely pathogenic. Last evaluated: 2024-12-19. Review status: criteria provided, single submitter. Criteria: ARUP Molecular Germline Variant Investigation Process 2024. Collection method: clinical testing. Allele origin: germline.
Comment: The RASA1 c.902dup; p.Gly304ArgfsTer8 variant, to our knowledge, is not reported in the medical literature but is reported in ClinVar (Variation ID: 2697551). This variant is also absent from the Genome Aggregation Database(v2.1.1), indicating it is not a common polymorphism. This variant causes a frameshift by inserting a single nucleotide, so it is predicted to result in a truncated protein or mRNA subject to nonsense-mediated decay. Based on available information, this variant is considered to be likely pathogenic. References: Revencu N et al. Parkes Weber syndrome, vein of Galen aneurysmal malformation, and other fast-flow vascular anomalies are caused by RASA1 mutations. Hum Mutat. 2008 Jul;29(7):959-65. PMID: 18446851.

Labcorp Genetics (formerly Invitae), Labcorp
Classification: Pathogenic for Capillary malformation-arteriovenous malformation syndrome. Last evaluated: 2023-11-17. Review status: criteria provided, single submitter. Criteria: Invitae Variant Classification Sherloc (09022015). Collection method: clinical testing. Allele origin: germline.
Comment: This sequence change creates a premature translational stop signal (p.Gly304Argfs*8) in the RASA1 gene. It is expected to result in an absent or disrupted protein product. Loss-of-function variants in RASA1 are known to be pathogenic (PMID: 24038909). This variant is not present in population databases (gnomAD no frequency). This variant has not been reported in the literature in individuals affected with RASA1-related conditions. Algorithms developed to predict the effect of sequence changes on RNA splicing suggest that this variant may disrupt the consensus splice site. For these reasons, this variant has been classified as Pathogenic.

Literature cited by the submitters: PubMed 24038909 (cited by Labcorp Genetics (formerly Invitae), Labcorp).

NM_002890.3(RASA1):c.902dup (p.Gly304fs)

Genes: CCNH (cyclin H; minus strand), RASA1 (RAS p21 protein activator 1; plus strand). Cytogenetic location: 5q14.3.
Variant type: Duplication.
Coding change: c.902dup on transcript NM_002890.3 (MANE Select); coding-DNA position 902, one base duplicated (T; older notation c.902dupT).
Protein change: p.Gly304fs; shifts the reading frame from glycine 304.
Molecular consequence: frameshift variant. On other transcripts: intron variant (1).
Genome position (GRCh38, 1-based): chr5:87,337,976, T duplicated; the last of 3 consecutive T bases (chr5:87,337,974-87,337,976); duplicating any one gives the same sequence. VCF-style (leftmost placement, unchanged base first): chr5-87337973-G-GT. GRCh37 (hg19) VCF-style: chr5-86633790-G-GT.
Other names: c.371dup, p.Gly127fs (NM_022650.3); c.934-25179dup (NM_001364075.2); short protein forms G127fs, G304fs.
Identifiers: ClinVar variation 2697551 (VCV002697551.4), dbSNP rs2531212164, ClinGen allele CA2697546269.